The following is an entry in ClinVar:

NM_000093.5(COL5A1):c.2592+298G>A

Gene: COL5A1 (collagen type V alpha 1 chain; plus strand). Cytogenetic location: 9q34.3.
Variant type: single nucleotide variant.
Coding change: c.2592+298G>A on transcript NM_000093.5 (MANE Select); 298 bases into the intron after coding-DNA position 2592, G replaced by A.
Molecular consequence: intron variant.
Genome position (GRCh38, 1-based): chr9:134,785,394, G>A. VCF-style: chr9-134785394-G-A. GRCh37 (hg19) VCF-style: chr9-137677240-G-A.
Other names: c.2592+298G>A (NM_001278074.1).
Identifiers: ClinVar variation 669631 (VCV000669631.1), dbSNP rs71506922, ClinGen allele CA201105307.

ClinVar aggregate classification (germline): Benign (1 of 4 stars; one submission).

Allele frequency attached by ClinVar (database versions not stated): 1000 Genomes Project 30x 0.01780; 1000 Genomes Project 0.01837; TOPMed 0.03458; gnomAD 0.03882 and 0.03939.
gnomAD v4.1: 5,890 of 152,272 alleles (3.9%); highest among the groups gnomAD compares: Non-Finnish European, 5.7%; 164 homozygotes.

Submission:

GeneDx
Classification: Benign. Last evaluated: 2018-06-14. Review status: criteria provided, single submitter. Criteria: GeneDx Variant Classification (06012015). Collection method: clinical testing. Allele origin: germline. Affected: yes.
Comment: This variant is considered likely benign or benign based on one or more of the following criteria: it is a conservative change, it occurs at a poorly conserved position in the protein, it is predicted to be benign by multiple in silico algorithms, and/or has population frequency not consistent with disease.